The following is an entry in ClinVar:

NM_000318.3(PEX2):c.550_551delinsCT (p.Cys184Leu)

Gene: PEX2 (peroxisomal biogenesis factor 2; minus strand). Cytogenetic location: 8q21.13.
Variant type: Indel.
Coding change: c.550_551delinsCT on transcript NM_000318.3 (MANE Select); coding-DNA positions 550 to 551, TG replaced by CT.
Protein change: p.Cys184Leu; replaces cysteine 184 with leucine.
Molecular consequence: missense variant.
Genome position (GRCh38, 1-based): chr8:76,983,628-76,983,629, CA replaced by AG on the plus strand (TG replaced by CT on the coding strand, the reverse complement: PEX2 is on the minus strand). VCF-style: chr8-76983628-CA-AG. GRCh37 (hg19) VCF-style: chr8-77895864-CA-AG.
Other names: c.550_551delinsCT, p.Cys184Leu (NM_001079867.2, NM_001172086.2, NM_001172087.2); short protein forms C184L.
Identifiers: ClinVar variation 1349831 (VCV001349831.2), dbSNP rs2132043720, ClinGen allele CA2573143377.

ClinVar aggregate classification (germline): Uncertain significance (1 of 4 stars; one submission).

Conditions:
Peroxisome biogenesis disorder 5A (Zellweger) (PBD5A). Identifiers: Orphanet 912, MedGen C3553940, MONDO:0013932, OMIM 614866.

Submission:

Labcorp Genetics (formerly Invitae), Labcorp
Classification: Uncertain significance for Peroxisome biogenesis disorder 5A (Zellweger). Last evaluated: 2024-02-17. Review status: criteria provided, single submitter. Criteria: Invitae Variant Classification Sherloc (09022015). Collection method: clinical testing. Allele origin: germline.
Comment: This sequence change replaces arginine, which is basic and polar, with leucine, which is neutral and non-polar, at codon 184 of the PEX2 protein (p.Arg184Leu). The frequency data for this variant in the population databases is considered unreliable, as metrics indicate poor data quality at this position in the gnomAD database. This variant has not been reported in the literature in individuals affected with PEX2-related conditions. ClinVar contains an entry for this variant (Variation ID: 594546). Experimental studies and prediction algorithms are not available or were not evaluated, and the functional significance of this variant is currently unknown. In summary, the available evidence is currently insufficient to determine the role of this variant in disease. Therefore, it has been classified as a Variant of Uncertain Significance.